The following is an entry in ClinVar:

ClinVar aggregate classification (germline): Uncertain significance (1 of 4 stars; one submission).

Submission:

Ambry Genetics
Classification: Uncertain significance. Last evaluated: 2024-03-27. Review status: criteria provided, single submitter. Criteria: Ambry Variant Classification Scheme 2023. Collection method: clinical testing. Allele origin: germline.
Comment: The c.337_339delGAA variant (also known as p.E113del) is located in coding exon 3 of the KIF1B gene. This variant results from an in-frame GAA deletion at nucleotide positions 337 to 339. This results in the in-frame deletion of a glutamic acid at codon 113. This amino acid position is well conserved in available vertebrate species. The evidence for this gene-disease relationship is limited; therefore, the clinical significance of this alteration is unclear.

NM_001365951.3(KIF1B):c.334GAA[1] (p.Glu113del)

Gene: KIF1B (kinesin family member 1B; plus strand). Cytogenetic location: 1p36.22.
Variant type: Microsatellite.
Coding change: c.334GAA[1] on transcript NM_001365951.3 (MANE Select); one copy of the 3-base unit GAA starting at c.334; the reference has two copies in a row; one copy, 3 bases deleted.
Protein change: p.Glu113del; deletes glutamic acid 113.
Molecular consequence: inframe deletion.
Genome position (GRCh38, 1-based): chr1:10,258,646-10,258,648, GAA deleted; deleting any 3 consecutive bases within chr1:10,258,641-10,258,648 gives the same sequence; the position shown is the placement nearest the transcript's 3' end. VCF-style (leftmost placement, unchanged base first): chr1-10258640-CAAG-C. GRCh37 (hg19) VCF-style: chr1-10318698-CAAG-C.
Other names: c.334GAA[1], p.Glu113del (NM_001365952.1, NM_001365953.1, NM_015074.3 and 1 more transcripts); c.337_339delGAA (NM_015074.3); short protein forms E113del.
Identifiers: ClinVar variation 3288362 (VCV003288362.1).